The following is an entry in ClinVar:

NM_001035.3(RYR2):c.8736G>A (p.Leu2912=)

Gene: RYR2 (ryanodine receptor 2; plus strand). Cytogenetic location: 1q43.
Variant type: single nucleotide variant.
Coding change: c.8736G>A on transcript NM_001035.3 (MANE Select); coding-DNA position 8736, G replaced by A.
Protein change: p.Leu2912=; no amino-acid change (leucine 2912 retained).
Molecular consequence: synonymous variant.
Genome position (GRCh38, 1-based): chr1:237,674,752, G>A. VCF-style: chr1-237674752-G-A. GRCh37 (hg19) VCF-style: chr1-237838052-G-A.
Identifiers: ClinVar variation 505165 (VCV000505165.22), dbSNP rs762521873, ClinGen allele CA087718.
Genomic context (GRCh38, chr1:237,674,752, plus strand): 5'-GTACAAATTGCTTTCCCATTTTCATTTTTGCTCTTCCAGAGGATTTAAGGACCTGGAACT[G>A]GACACGCCTTCTATTGAGAAACGATTTGCCTATAGTTTCCTCCAACAACTCATTCGCTAT-3'
Protein context (NP_001026.2, residues 2902-2922): AVSRGFKDLE[Leu2912=]DTPSIEKRFA

ClinVar aggregate classification (germline): Conflicting classifications of pathogenicity. Review status: criteria provided, conflicting classifications (1 of 4 stars). 7 submissions from 7 submitters: Uncertain significance (1); Likely benign (6). Last evaluated 2026-01-06.

Conditions:
Cardiovascular phenotype. Identifiers: MedGen CN230736.
Cardiomyopathy (CMYO). Also called: Cardiomyopathies. Identifiers: Orphanet 167848, MedGen C0878544, MONDO:0004994, HP:0001638. Inheritance: Various modes of inheritance.
Catecholaminergic polymorphic ventricular tachycardia 1. Also called: VENTRICULAR TACHYCARDIA, CATECHOLAMINERGIC POLYMORPHIC, 1, WITH OR WITHOUT ATRIAL DYSFUNCTION AND/OR DILATED CARDIOMYOPATHY; RYR2-Related Catecholaminergic Polymorphic Ventricular Tachycardia; VENTRICULAR TACHYCARDIA, STRESS-INDUCED POLYMORPHIC 1. Identifiers: Orphanet 3286, MedGen C1631597, MONDO:0011484, OMIM 604772.

Allele frequency attached by ClinVar (database versions not stated): ExAC 0.00001; gnomAD exomes 0.00001 and 0.00002; TOPMed 0.00001.
gnomAD v4.1: 35 of 1,611,108 alleles (0.0022%); highest among the groups gnomAD compares: Non-Finnish European, 0.0029%; no homozygotes.

Submissions (7):

Labcorp Genetics (formerly Invitae), Labcorp
Classification: Likely benign for Catecholaminergic polymorphic ventricular tachycardia 1. Last evaluated: 2026-01-06. Review status: criteria provided, single submitter. Criteria: Invitae Variant Classification Sherloc (09022015). Collection method: clinical testing. Allele origin: germline.

Women's Health and Genetics/Laboratory Corporation of America, LabCorp
Classification: Likely benign. Last evaluated: 2025-11-10. Review status: criteria provided, single submitter. Criteria: LabCorp Variant Classification Summary - May 2015. Collection method: clinical testing. Allele origin: germline.
Comment: Variant summary: RYR2 c.8736G>A alters a conserved nucleotide resulting in a synonymous change. Consensus agreement among computation tools predict no significant impact on normal splicing. However, these predictions have yet to be confirmed by functional studies. The variant allele was found at a frequency of 1.2e-05 in 248578 control chromosomes. The available data on variant occurrences in the general population are insufficient to allow any conclusion about variant significance. To our knowledge, no occurrence of c.8736G>A in individuals affected with RYR2-related conditions and no experimental evidence demonstrating its impact on protein function have been reported. ClinVar contains an entry for this variant (Variation ID: 505165). Based on the evidence outlined above, the variant was classified as likely benign.

Blueprint Genetics
Classification: Likely benign. Last evaluated: 2024-02-06. Review status: criteria provided, single submitter. Criteria: ACMG Guidelines, 2015. Collection method: clinical testing. Allele origin: germline.

Ambry Genetics
Classification: Likely benign for Cardiovascular phenotype. Last evaluated: 2022-09-02. Review status: criteria provided, single submitter. Criteria: Ambry Variant Classification Scheme 2023. Collection method: clinical testing. Allele origin: germline.

Color Diagnostics, LLC DBA Color Health
Classification: Likely benign for Cardiomyopathy. Last evaluated: 2018-04-30. Review status: criteria provided, single submitter. Criteria: ACMG Guidelines, 2015. Collection method: clinical testing. Allele origin: germline.

Laboratory for Molecular Medicine, Mass General Brigham Personalized Medicine
Classification: Likely benign. Last evaluated: 2016-06-16. Review status: criteria provided, single submitter. Criteria: LMM Criteria. Collection method: clinical testing. Allele origin: germline. Observed: 1 variant allele.
Comment: p.Leu2912Leu in exon 60 of RYR2: This variant is not expected to have clinical s ignificance because it does not alter an amino acid residue and is not located w ithin the splice consensus sequence. It has been identified in 1/63490 European chromosomes by the Exome Aggregation Consortium (ExAC; dbSNP rs762521873).

CHEO Genetics Diagnostic Laboratory, Children's Hospital of Eastern Ontario
Classification: Uncertain significance for Cardiomyopathy. Last evaluated: 2016-03-08. Review status: criteria provided, single submitter. Criteria: ACMG Guidelines, 2015. Collection method: clinical testing. Allele origin: germline. Study: Canadian Open Genetics Repository.